The following is an entry in ClinVar:

ClinVar aggregate classification (germline): Uncertain significance (1 of 4 stars; one submission).

gnomAD v4.1: 1 of 1,597,118 alleles (0.000063%); highest among the groups gnomAD compares: African/African-American, 0.0013%; no homozygotes.

Submission:

Labcorp Genetics (formerly Invitae), Labcorp
Classification: Uncertain significance. Last evaluated: 2025-04-17. Review status: criteria provided, single submitter. Criteria: Invitae Variant Classification Sherloc (09022015). Collection method: clinical testing. Allele origin: germline.
Comment: This sequence change replaces lysine, which is basic and polar, with glutamic acid, which is acidic and polar, at codon 1845 of the ITPR1 protein (p.Lys1845Glu). This variant is present in population databases (rs773378793, gnomAD 0.007%). This variant has not been reported in the literature in individuals affected with ITPR1-related conditions. Invitae Evidence Modeling of protein sequence and biophysical properties (such as structural, functional, and spatial information, amino acid conservation, physicochemical variation, residue mobility, and thermodynamic stability) indicates that this missense variant is not expected to disrupt ITPR1 protein function with a negative predictive value of 80%. In summary, the available evidence is currently insufficient to determine the role of this variant in disease. Therefore, it has been classified as a Variant of Uncertain Significance.

NM_001378452.1(ITPR1):c.5722A>G (p.Lys1908Glu)

Gene: ITPR1 (inositol 1,4,5-trisphosphate receptor type 1; plus strand). Cytogenetic location: 3p26.1.
Variant type: single nucleotide variant.
Coding change: c.5722A>G on transcript NM_001378452.1 (MANE Select); coding-DNA position 5722, A replaced by G.
Protein change: p.Lys1908Glu; replaces lysine 1908 with glutamic acid.
Molecular consequence: missense variant.
Genome position (GRCh38, 1-based): chr3:4,766,707, A>G. VCF-style: chr3-4766707-A-G. GRCh37 (hg19) VCF-style: chr3-4808391-A-G.
Other names: c.5578A>G, p.Lys1860Glu (NM_001099952.4); c.5677A>G, p.Lys1893Glu (NM_001168272.2); c.5533A>G, p.Lys1845Glu (NM_002222.7); short protein forms K1845E, K1860E, K1893E, K1908E.
Identifiers: ClinVar variation 4807455 (VCV004807455.1).